The following is an entry in ClinVar:

NM_001130698.2(TRPC3):c.1798G>A (p.Asp600Asn)

Gene: TRPC3 (transient receptor potential cation channel subfamily C member 3; minus strand). Cytogenetic location: 4q27.
Variant type: single nucleotide variant.
Coding change: c.1798G>A on transcript NM_001130698.2 (MANE Select); coding-DNA position 1798, G replaced by A.
Protein change: p.Asp600Asn; replaces aspartic acid 600 with asparagine.
Molecular consequence: missense variant.
Genome position (GRCh38, 1-based): chr4:121,907,562, C>T on the plus strand (G>A on the coding strand, the complement: TRPC3 is on the minus strand). VCF-style: chr4-121907562-C-T. GRCh37 (hg19) VCF-style: chr4-122828717-C-T.
Other names: c.1798G>A, p.Asp600Asn (NM_001366479.2); c.1579G>A, p.Asp527Asn (NM_003305.2); short protein forms D527N, D600N.
Identifiers: ClinVar variation 2776832 (VCV002776832.3), dbSNP rs1728930237, ClinGen allele CA358056145.
Genomic context (GRCh38, chr4:121,907,562, plus strand): 5'-CAACAGCTATGGCATAAAGGCCTTCAGATATAATCTGAGGGTCAGAAGGGAGCCATTTAT[C>T]TCTAGCTAGAAAAAAGAGAGAAAGAGATTAAAAATGGAGCTTTCTATTCATTGCCAACTA-3'
Protein context (NP_001124170.1, residues 590-610): PEIQYFTYAR[Asp600Asn]KWLPSDPQII

ClinVar aggregate classification (germline): Uncertain significance (1 of 4 stars; one submission).

Allele frequency attached by ClinVar (database versions not stated): gnomAD exomes below 0.00001; gnomAD 0.00001.
gnomAD v4.1: 3 of 1,594,324 alleles (0.00019%); highest among the groups gnomAD compares: South Asian, 0.0034%; no homozygotes.

Submission:

Labcorp Genetics (formerly Invitae), Labcorp
Classification: Uncertain significance. Last evaluated: 2023-03-08. Review status: criteria provided, single submitter. Criteria: Invitae Variant Classification Sherloc (09022015). Collection method: clinical testing. Allele origin: germline.
Comment: Advanced modeling of protein sequence and biophysical properties (such as structural, functional, and spatial information, amino acid conservation, physicochemical variation, residue mobility, and thermodynamic stability) performed at Invitae indicates that this missense variant is not expected to disrupt TRPC3 protein function. This sequence change replaces aspartic acid, which is acidic and polar, with asparagine, which is neutral and polar, at codon 600 of the TRPC3 protein (p.Asp600Asn). This variant is not present in population databases (gnomAD no frequency). This variant has not been reported in the literature in individuals affected with TRPC3-related conditions. In summary, the available evidence is currently insufficient to determine the role of this variant in disease. Therefore, it has been classified as a Variant of Uncertain Significance.